The following is an entry in ClinVar:

NM_004006.3(DMD):c.11041A>T (p.Arg3681Ter)

Gene: DMD (dystrophin; minus strand). Cytogenetic location: Xp21.2.
Variant type: single nucleotide variant.
Coding change: c.11041A>T on transcript NM_004006.3 (MANE Select); coding-DNA position 11041, A replaced by T.
Protein change: p.Arg3681Ter; replaces arginine 3681 with a stop codon.
Molecular consequence: nonsense. On other transcripts: intron variant (5).
Genome position (GRCh38, 1-based): chrX:31,126,647, T>A on the plus strand (A>T on the coding strand, the complement: DMD is on the minus strand). VCF-style: chrX-31126647-T-A. GRCh37 (hg19) VCF-style: chrX-31144764-T-A.
Other names: c.11017A>T, p.Arg3673Ter (NM_000109.4); c.11029A>T, p.Arg3677Ter (NM_004009.3); c.10672A>T, p.Arg3558Ter (NM_004010.3); c.7018A>T, p.Arg2340Ter (NM_004011.4); c.7009A>T, p.Arg2337Ter (NM_004012.4); c.3661A>T, p.Arg1221Ter (NM_004013.3); c.2854A>T, p.Arg952Ter (NM_004014.3); c.1837A>T, p.Arg613Ter (NM_004015.3); and 7 more; short protein forms R613*, R1221*, R2337*, R3673*, R600*, R1111*, R2340*, R3677*.
Identifiers: ClinVar variation 641807 (VCV000641807.15), dbSNP rs1477369230, ClinGen allele CA412654958.

ClinVar aggregate classification (germline): Uncertain significance. Review status: criteria provided, multiple submitters, no conflicts (2 of 4 stars). 5 submissions from 5 submitters: Uncertain significance (4). 1 of the submissions does not count toward it. Last evaluated 2024-11-01.

Conditions:
Cardiomyopathy (CMYO). Also called: Cardiomyopathies. Identifiers: Orphanet 167848, MedGen C0878544, MONDO:0004994, HP:0001638. Inheritance: Various modes of inheritance.
Duchenne muscular dystrophy (DMD). Also called: MUSCULAR DYSTROPHY, PSEUDOHYPERTROPHIC PROGRESSIVE, DUCHENNE TYPE; Duchenne Muscular Dystrophy (DMD). Identifiers: Orphanet 98896, MedGen C0013264, MONDO:0010679, OMIM 310200.
Becker muscular dystrophy (BMD). Also called: MUSCULAR DYSTROPHY, PSEUDOHYPERTROPHIC PROGRESSIVE, BECKER TYPE; Becker Muscular Dystrophy (BMD). Identifiers: Orphanet 98895, MedGen C0917713, MONDO:0010311, OMIM 300376.
Dystrophin deficiency.
Cardiovascular phenotype. Identifiers: MedGen CN230736.

Allele frequency attached by ClinVar (database versions not stated): gnomAD exomes 0.00001; TOPMed 0.00004; gnomAD 0.00006.
gnomAD v4.1: 16 of 1,198,364 alleles (0.0013%); highest among the groups gnomAD compares: African/African-American, 0.025%; no homozygotes.

Submissions (6):

Ambry Genetics
Classification: Uncertain significance for Cardiovascular phenotype. Last evaluated: 2024-11-01. Review status: criteria provided, single submitter. Criteria: Ambry Variant Classification Scheme 2023. Collection method: clinical testing. Allele origin: germline.
Comment: The p.R3681* variant (also known as c.11041A>T), located in coding exon 78 of the DMD gene, results from an A to T substitution at nucleotide position 11041. This changes the amino acid from an arginine to a stop codon within coding exon 78. Based on data from gnomAD, the T allele has an overall frequency of 0.0005% (1/182338) total alleles studied, with 0 hemizygotes observed. The highest observed frequency was 0.007% (1/13101) of African alleles. This alteration occurs at the 3' terminus of theDMD gene, is not expected to trigger nonsense-mediated mRNAdecay, and only impacts the last 5 amino acids of the protein. The exact functional effect of this alteration is unknown. Since supporting evidence is limited at this time, the clinical significance of this alteration remains unclear.

Women's Health and Genetics/Laboratory Corporation of America, LabCorp
Classification: Uncertain significance. Last evaluated: 2024-08-09. Review status: criteria provided, single submitter. Criteria: LabCorp Variant Classification Summary - May 2015. Collection method: clinical testing. Allele origin: germline.
Comment: Variant summary: DMD c.11041A>T (p.Arg3681X) results in a premature termination codon in exon 78, predicted to cause a truncation affecting the last five amino acids of the encoded protein, however nonsense mediated decay is not expected to occur. The variant allele was found at a frequency of 5.5e-06 in 182338 control chromosomes. The available data on variant occurrences in the general population are insufficient to allow any conclusion about variant significance. To our knowledge, no occurrence of c.11041A>T in individuals affected with Dystrophinopathies and no experimental evidence demonstrating its impact on protein function have been reported. ClinVar contains an entry for this variant (Variation ID: 641807). Based on the evidence outlined above, the variant was classified as uncertain significance.

Labcorp Genetics (formerly Invitae), Labcorp
Classification: Uncertain significance for Duchenne muscular dystrophy. Last evaluated: 2022-11-02. Review status: criteria provided, single submitter. Criteria: Invitae Variant Classification Sherloc (09022015). Collection method: clinical testing. Allele origin: germline.
Comment: This sequence change creates a premature translational stop signal (p.Arg3681*) in the DMD gene. While this is not anticipated to result in nonsense mediated decay, it is expected to disrupt the last 5 amino acid(s) of the DMD protein. This variant is present in population databases (no rsID available, gnomAD 0.008%). This variant has not been reported in the literature in individuals affected with DMD-related conditions. ClinVar contains an entry for this variant (Variation ID: 641807). Experimental studies and prediction algorithms are not available or were not evaluated, and the functional significance of this variant is currently unknown. In summary, the available evidence is currently insufficient to determine the role of this variant in disease. Therefore, it has been classified as a Variant of Uncertain Significance.

GeneDx
Classification: Uncertain significance. Last evaluated: 2020-12-17. Review status: criteria provided, single submitter. Criteria: GeneDx Variant Classification Process June 2021. Collection method: clinical testing. Allele origin: germline. Affected: yes.
Comment: Has not been previously published as pathogenic or benign to our knowledge; Observed in at least one female patient referred to GeneDx for cardiomyopathy genetic testing who harbored a co-occurring pathogenic variant in another gene that was sufficient to cause the phenotype; Nonsense variant in the C-terminus predicted to result in protein truncation, as the last 5 amino acids are lost (Stenson et al., 2014;); Based on the understanding of this genetic alteration, it may be amenable to nonsense read-through therapy that is currently available or in clinical trial

Natera, Inc.
Classification: Uncertain significance for Becker muscular dystrophy; Cardiomyopathy; Duchenne muscular dystrophy; Dystrophin deficiency. Last evaluated: 2018-08-10. Review status: no assertion criteria provided. Collection method: clinical testing. Allele origin: germline. Not counted in ClinVar's aggregate classification.

Dr. Peter K. Rogan Lab, Western University
No classification provided (evidence only). Condition: Nonpapillary renal cell carcinoma. Review status: no classification provided. Collection method: in vitro. Allele origin: not applicable. Functional consequence: retained intron. Not counted in ClinVar's aggregate classification.